The following is an entry in ClinVar:

ClinVar aggregate classification (germline): Uncertain significance (1 of 4 stars; one submission).

Conditions:
Neurofibromatosis, type 1 (NF1). Also called: Peripheral type neurofibromatosis; VON RECKLINGHAUSEN DISEASE; Neurofibromatosis, type I; NEUROFIBROMATOSIS, TYPE I, SOMATIC. Identifiers: Orphanet 636, MedGen C0027831, MONDO:0018975, OMIM 162200. Disease mechanism: loss of function.

Submission:

Labcorp Genetics (formerly Invitae), Labcorp
Classification: Uncertain significance for Neurofibromatosis, type 1. Last evaluated: 2018-04-15. Review status: criteria provided, single submitter. Criteria: Invitae Variant Classification Sherloc (09022015). Collection method: clinical testing. Allele origin: germline.
Comment: This sequence change replaces threonine with serine at codon 527 of the NF1 protein (p.Thr527Ser). The threonine residue is moderately conserved and there is a small physicochemical difference between threonine and serine. This variant is not present in population databases (ExAC no frequency). This variant has not been reported in the literature in individuals with NF1-related disease. Algorithms developed to predict the effect of missense changes on protein structure and function (SIFT, PolyPhen-2, Align-GVGD) all suggest that this variant is likely to be tolerated, but these predictions have not been confirmed by published functional studies and their clinical significance is uncertain. In summary, the available evidence is currently insufficient to determine the role of this variant in disease. Therefore, it has been classified as a Variant of Uncertain Significance.

NM_001042492.3(NF1):c.1579A>T (p.Thr527Ser)

Gene: NF1 (neurofibromin 1; plus strand). Cytogenetic location: 17q11.2.
Variant type: single nucleotide variant.
Coding change: c.1579A>T on transcript NM_001042492.3 (MANE Select); coding-DNA position 1579, A replaced by T.
Protein change: p.Thr527Ser; replaces threonine 527 with serine.
Molecular consequence: missense variant.
Genome position (GRCh38, 1-based): chr17:31,219,056, A>T. VCF-style: chr17-31219056-A-T. GRCh37 (hg19) VCF-style: chr17-29546074-A-T.
Other names: c.1579A>T, p.Thr527Ser (NM_000267.4, NM_001128147.3); short protein forms T527S.
Identifiers: ClinVar variation 574803 (VCV000574803.5), dbSNP rs1567843874, ClinGen allele CA399001926.
Genomic context (GRCh38, chr17:31,219,056, plus strand): 5'-TCCTTGCAGAATCCAAGAAAACAGGGGCCCGAAACCCAAGGCAGTACAGCAGAATTAATT[A>T]CAGGGCTCGTCCAACTGGTCCCTCAGTCACACATGCCAGAGATTGCTCAGGAAGCAATGG-3'
Protein context (NP_001035957.1, residues 517-537): ETQGSTAELI[Thr527Ser]GLVQLVPQSH